The following is an entry in ClinVar:

ClinVar aggregate classification (germline): Uncertain significance (1 of 4 stars; one submission).

Conditions:
Hereditary breast ovarian cancer syndrome. Also called: Hereditary breast and ovarian cancer syndrome; Hereditary breast and ovarian cancer; BRCA1- and BRCA2-Associated Hereditary Breast and Ovarian Cancer; Hereditary breast and/or ovarian cancer syndrome; Breast and ovarian cancer; Hereditary breast and ovarian cancer syndrome (HBOC). Identifiers: Orphanet 145, MedGen C0677776, MeSH D061325, MONDO:0003582. Disease mechanism: loss of function.

Submission:

Labcorp Genetics (formerly Invitae), Labcorp
Classification: Uncertain significance for Hereditary breast ovarian cancer syndrome. Last evaluated: 2023-05-22. Review status: criteria provided, single submitter. Criteria: Invitae Variant Classification Sherloc (09022015). Collection method: clinical testing. Allele origin: germline.
Comment: In summary, the available evidence is currently insufficient to determine the role of this variant in disease. Therefore, it has been classified as a Variant of Uncertain Significance. Advanced modeling of protein sequence and biophysical properties (such as structural, functional, and spatial information, amino acid conservation, physicochemical variation, residue mobility, and thermodynamic stability) performed at Invitae indicates that this missense variant is not expected to disrupt BRCA2 protein function. This variant has not been reported in the literature in individuals affected with BRCA2-related conditions. This variant is not present in population databases (gnomAD no frequency). This sequence change replaces glutamic acid, which is acidic and polar, with glycine, which is neutral and non-polar, at codon 897 of the BRCA2 protein (p.Glu897Gly).

NM_000059.4(BRCA2):c.2690A>G (p.Glu897Gly)

Gene: BRCA2 (BRCA2 DNA repair associated; plus strand). Cytogenetic location: 13q13.1.
Variant type: single nucleotide variant.
Coding change: c.2690A>G on transcript NM_000059.4 (MANE Select); coding-DNA position 2690, A replaced by G.
Protein change: p.Glu897Gly; replaces glutamic acid 897 with glycine.
Molecular consequence: missense variant. On other transcripts: non-coding transcript variant (1), intron variant (2).
Genome position (GRCh38, 1-based): chr13:32,337,045, A>G. VCF-style: chr13-32337045-A-G. GRCh37 (hg19) VCF-style: chr13-32911182-A-G.
Other names: c.2690A>G, p.Glu897Gly (NM_001406719.1, NM_001406720.1); c.1909+3658A>G (NM_001406721.1); c.424+6015A>G (NM_001406722.1); short protein forms E897G.
Identifiers: ClinVar variation 2866881 (VCV002866881.3), dbSNP rs2137488974, ClinGen allele CA387773456.